The following is an entry in ClinVar:

ClinVar aggregate classification (germline): Likely benign (0 of 4 stars; one submission).

Conditions:
SEMA3F-related disorder. Also called: SEMA3F-related condition.

Allele frequency attached by ClinVar (database versions not stated): gnomAD 0.00010; gnomAD exomes 0.00012; TOPMed 0.00015; ExAC 0.00021.

Submissions (2):

PreventionGenetics, part of Exact Sciences
Classification: Likely benign for SEMA3F-related condition. Last evaluated: 2021-09-02. Review status: no assertion criteria provided. Collection method: clinical testing. Allele origin: germline.
Comment: This variant is classified as likely benign based on ACMG/AMP sequence variant interpretation guidelines (Richards et al. 2015 PMID: 25741868, with internal and published modifications).

Dr. Peter K. Rogan Lab, Western University
No classification provided (evidence only). Condition: Familial cancer of breast. Review status: no classification provided. Collection method: in vitro. Allele origin: not applicable. Functional consequence: retained intron. Not counted in ClinVar's aggregate classification.

NM_004186.5(SEMA3F):c.1234-9T>G

Gene: SEMA3F (semaphorin 3F; plus strand). Cytogenetic location: 3p21.31.
Variant type: single nucleotide variant.
Coding change: c.1234-9T>G on transcript NM_004186.5 (MANE Select); 9 bases into the intron before coding-DNA position 1234, T replaced by G.
Molecular consequence: intron variant.
Genome position (GRCh38, 1-based): chr3:50,184,583, T>G. VCF-style: chr3-50184583-T-G. GRCh37 (hg19) VCF-style: chr3-50222016-T-G.
Other names: NC_000003.11:g.50222016T>G; c.937-9T>G (NM_001318798.2); c.1141-9T>G (NM_001318800.2).
Identifiers: ClinVar variation 3054933 (VCV003054933.3), dbSNP rs200014361, ClinGen allele CA2412076.